The following is an entry in ClinVar:

ClinVar aggregate classification (germline): Uncertain significance (1 of 4 stars; one submission).

Submission:

GeneDx
Classification: Uncertain significance. Last evaluated: 2024-06-03. Review status: criteria provided, single submitter. Criteria: GeneDx Variant Classification Process June 2021. Collection method: clinical testing. Allele origin: germline. Affected: yes.
Comment: Not observed at significant frequency in large population cohorts (gnomAD); In silico analysis supports that this missense variant has a deleterious effect on protein structure/function; Has not been previously published as pathogenic or benign to our knowledge

NM_001042750.2(STAG2):c.1241A>T (p.Tyr414Phe)

Gene: STAG2 (STAG2 cohesin complex component; plus strand). Cytogenetic location: Xq25.
Variant type: single nucleotide variant.
Coding change: c.1241A>T on transcript NM_001042750.2 (MANE Select); coding-DNA position 1241, A replaced by T.
Protein change: p.Tyr414Phe; replaces tyrosine 414 with phenylalanine.
Molecular consequence: missense variant.
Genome position (GRCh38, 1-based): chrX:124,056,172, A>T. VCF-style: chrX-124056172-A-T. GRCh37 (hg19) VCF-style: chrX-123190022-A-T.
Other names: c.1241A>T, p.Tyr414Phe (NM_001042749.2, NM_001042751.2, NM_001282418.2 and 13 more transcripts); short protein forms Y414F.
Identifiers: ClinVar variation 3384466 (VCV003384466.1).
Genomic context (GRCh38, chrX:124,056,172, plus strand): 5'-ACTGCTTATTTCTTAGGAGTAGTGAAGAAGTTCTCACTGCAGAAGATTGTGAAAATGTCT[A>T]TCATCTGGTTTATTCAGCTCACCGGCCAGTAGCAGTAGCAGCTGGAGAATTTCTCTACAA-3'
Protein context (NP_001036215.1, residues 404-424): VLTAEDCENV[Tyr414Phe]HLVYSAHRPV